The following is an entry in ClinVar:

NM_006494.4(ERF):c.257+1G>C

Gene: ERF (ETS2 repressor factor; minus strand). Cytogenetic location: 19q13.2.
Variant type: single nucleotide variant.
Coding change: c.257+1G>C on transcript NM_006494.4 (MANE Select); the canonical splice donor site of the intron after coding-DNA position 257, G replaced by C.
Molecular consequence: splice donor variant. On other transcripts: intron variant (1).
Genome position (GRCh38, 1-based): chr19:42,250,330, C>G on the plus strand (G>C on the coding strand, the complement: ERF is on the minus strand). VCF-style: chr19-42250330-C-G. GRCh37 (hg19) VCF-style: chr19-42754482-C-G.
Other names: c.32+1G>C (NM_001312656.2, NM_001301035.2, NM_001308402.2 and 1 more transcripts); c.-550-388G>C (NM_001440421.1).
Identifiers: ClinVar variation 4890690 (VCV004890690.1).

ClinVar aggregate classification (germline): Pathogenic (1 of 4 stars; one submission).

Conditions:
Craniosynostosis 4 (CRS4). Identifiers: MedGen C3806917, MONDO:0010929, OMIM 600775.

Submission:

Institute of Human Genetics, University of Leipzig Medical Center
Classification: Pathogenic for Craniosynostosis 4. Last evaluated: 2026-07-22. Review status: criteria provided, single submitter. Criteria: ACMG Guidelines, 2015. Collection method: clinical testing. Allele origin: unknown. Inheritance: Autosomal dominant inheritance. Affected: yes.
Comment: Criteria applied: PVS1,PM2